The following is an entry in ClinVar:

NM_001614.5(ACTG1):c.126C>T (p.Gly42=)

Gene: ACTG1 (actin gamma 1; minus strand). Cytogenetic location: 17q25.3.
Variant type: single nucleotide variant.
Coding change: c.126C>T on transcript NM_001614.5 (MANE Select); coding-DNA position 126, C replaced by T.
Protein change: p.Gly42=; no amino-acid change (glycine 42 retained).
Molecular consequence: synonymous variant. On other transcripts: non-coding transcript variant (1).
Genome position (GRCh38, 1-based): chr17:81,512,140, G>A on the plus strand (C>T on the coding strand, the complement: ACTG1 is on the minus strand). VCF-style: chr17-81512140-G-A. GRCh37 (hg19) VCF-style: chr17-79479166-G-A.
Other names: c.126C>T, p.Gly42= (NM_001199954.3).
Identifiers: ClinVar variation 379424 (VCV000379424.50), dbSNP rs11549197, ClinGen allele CA8836341.

ClinVar aggregate classification (germline): Benign/Likely benign. Review status: criteria provided, multiple submitters, no conflicts (2 of 4 stars). 10 submissions from 9 submitters: Benign (3); Likely benign (5). 2 of the submissions do not count toward it. Last evaluated 2025-06-03.

Conditions:
Autosomal dominant nonsyndromic hearing loss 20. Identifiers: Orphanet 90635, MedGen C1858172, MONDO:0011480, OMIM 604717.
Baraitser-winter syndrome 2. Identifiers: Orphanet 2995, MedGen C3281235, MONDO:0013812, OMIM 614583.

Allele frequency attached by ClinVar (database versions not stated): gnomAD 0.00029 and 0.00027; 1000 Genomes Project 30x 0.00031; gnomAD exomes 0.00051 and 0.00027; ESP Exome Variant Server 0.00015; 1000 Genomes Project 0.00020; ExAC 0.00026; TOPMed 0.00028.
gnomAD v4.1: 773 of 1,613,532 alleles (0.048%); highest among the groups gnomAD compares: Non-Finnish European, 0.062%; no homozygotes.

Submissions (10):

Labcorp Genetics (formerly Invitae), Labcorp
Classification: Likely benign for Baraitser-winter syndrome 2; Autosomal dominant nonsyndromic hearing loss 20. Last evaluated: 2025-06-03. Review status: criteria provided, single submitter. Criteria: Invitae Variant Classification Sherloc (09022015). Collection method: clinical testing. Allele origin: germline.

Blueprint Genetics
Classification: Likely benign. Last evaluated: 2024-11-26. Review status: criteria provided, single submitter. Criteria: ACMG Guidelines, 2015. Collection method: clinical testing. Allele origin: germline.

CeGaT Center for Human Genetics Tuebingen
Classification: Likely benign. Last evaluated: 2023-04-01. Review status: criteria provided, single submitter. Criteria: CeGaT Center For Human Genetics Tuebingen Variant Classification Criteria Version 2. Collection method: clinical testing. Allele origin: germline. Affected: yes. Observed: 1 variant allele.
Comment: ACTG1: BP4, BP7

Genome-Nilou Lab
Classification: Benign for Baraitser-winter syndrome 2. Last evaluated: 2021-12-05. Review status: criteria provided, single submitter. Criteria: ACMG Guidelines, 2015. Collection method: clinical testing. Allele origin: germline. Affected: no.

Genome-Nilou Lab
Classification: Benign for Autosomal dominant nonsyndromic hearing loss 20. Last evaluated: 2021-12-05. Review status: criteria provided, single submitter. Criteria: ACMG Guidelines, 2015. Collection method: clinical testing. Allele origin: germline. Affected: no.

GeneDx
Classification: Likely benign. Last evaluated: 2021-06-04. Review status: criteria provided, single submitter. Criteria: GeneDx Variant Classification Process June 2021. Collection method: clinical testing. Allele origin: germline. Affected: yes.

Athena Diagnostics
Classification: Benign. Last evaluated: 2019-07-09. Review status: criteria provided, single submitter. Criteria: Athena Diagnostics Criteria. Collection method: clinical testing. Allele origin: germline.

Laboratory for Molecular Medicine, Mass General Brigham Personalized Medicine
Classification: Likely benign. Last evaluated: 2012-04-30. Review status: criteria provided, single submitter. Criteria: LMM Criteria. Collection method: clinical testing. Allele origin: germline. Observed: 1 variant allele.
Comment: Gly42Gly in Exon 03 of ACTG1: This variant is not expected to have clinical sign ificance because it does not alter an amino acid residue, is not located within the splice consensus sequence, and has been identified in 2/7018 European Americ an chromosomes from a broad population by the NHLBI Exome Sequencing Project (dbSNP rs11549197).

Clinical Genetics DNA and cytogenetics Diagnostics Lab, Erasmus MC, Erasmus Medical Center
Classification: Likely benign. Review status: no assertion criteria provided. Collection method: clinical testing. Allele origin: germline. Affected: yes. Study: VKGL Data-share Consensus. Not counted in ClinVar's aggregate classification.

Joint Genome Diagnostic Labs from Nijmegen and Maastricht, Radboudumc and MUMC+
Classification: Likely benign. Review status: no assertion criteria provided. Collection method: clinical testing. Allele origin: germline. Affected: yes. Study: VKGL Data-share Consensus. Not counted in ClinVar's aggregate classification.